The following is an entry in ClinVar:

NM_002047.4(GARS1):c.548T>C (p.Leu183Pro)

Gene: GARS1 (glycyl-tRNA synthetase 1; plus strand). Cytogenetic location: 7p14.3.
Variant type: single nucleotide variant.
Coding change: c.548T>C on transcript NM_002047.4 (MANE Select); coding-DNA position 548, T replaced by C.
Protein change: p.Leu183Pro; replaces leucine 183 with proline.
Molecular consequence: missense variant.
Genome position (GRCh38, 1-based): chr7:30,601,179, T>C. VCF-style: chr7-30601179-T-C. GRCh37 (hg19) VCF-style: chr7-30640795-T-C.
Other names: c.386T>C, p.Leu129Pro (NM_001316772.1); c.548T>C (NM_002047.2); short protein forms L129P, L183P.
Identifiers: ClinVar variation 9205 (VCV000009205.48), dbSNP rs137852644, ClinGen allele CA254706.

ClinVar aggregate classification (germline): Pathogenic. Review status: criteria provided, single submitter (1 of 4 stars). 5 submissions from 5 submitters: Pathogenic (1). 4 of the submissions do not count toward it. Last evaluated 2020-12-01.

Conditions:
Charcot-Marie-Tooth disease. Also called: Charcot-Marie-Tooth Hereditary Neuropathy; Charcot-Marie-Tooth Neuropathy. Identifiers: Orphanet 166, MedGen C0007959, MONDO:0015626.
Charcot-Marie-Tooth disease type 2D (CMT2D). Also called: Charcot-Marie-Tooth Neuropathy Type 2D; CHARCOT-MARIE-TOOTH DISEASE, AXONAL, TYPE 2D; CHARCOT-MARIE-TOOTH DISEASE, NEURONAL, TYPE 2D; GARS1 Adolescent- or Early Adult-Onset Hereditary Motor/Sensory Neuropathy (GARS1-HMSN). Identifiers: Orphanet 99938, MedGen C1832274, MONDO:0011091, OMIM 601472.
Neuronopathy, distal hereditary motor, type 5A (HMND5). Also called: Distal Spinal Muscular Atrophy V; NEURONOPATHY, DISTAL HEREDITARY MOTOR, AUTOSOMAL DOMINANT 5; DHMN VA; Distal Spinal Muscular Atrophy V (dSMA-V). Identifiers: Orphanet 139536, MedGen CN031873, MONDO:0015353, OMIM 600794.

Submissions (5):

CeGaT Center for Human Genetics Tuebingen
Classification: Pathogenic. Last evaluated: 2020-12-01. Review status: criteria provided, single submitter. Criteria: CeGaT Center For Human Genetics Tuebingen Variant Classification Criteria Version 2. Collection method: clinical testing. Allele origin: germline. Affected: yes. Observed: 2 variant alleles.

Genesis Genome Database
Classification: Uncertain significance for Charcot-Marie-Tooth disease. Last evaluated: 2019-08-14. Review status: no assertion criteria provided. Collection method: research. Allele origin: germline. Affected: yes. Not counted in ClinVar's aggregate classification.

Inherited Neuropathy Consortium Ii, University Of Miami
Classification: Uncertain significance for Charcot-Marie-Tooth disease type 2D. Last evaluated: 2016-01-06. Review status: no assertion criteria provided. Collection method: literature only. Allele origin: germline. Affected: yes. Not counted in ClinVar's aggregate classification.

OMIM
Classification: Pathogenic for NEURONOPATHY, DISTAL HEREDITARY MOTOR, AUTOSOMAL DOMINANT 5. Last evaluated: 2003-05-01. Review status: no assertion criteria provided. Collection method: literature only. Allele origin: germline. Not counted in ClinVar's aggregate classification.

GeneReviews
No classification provided. Condition: Charcot-Marie-Tooth disease type 2D. Review status: no classification provided. Collection method: literature only. Allele origin: germline. Not counted in ClinVar's aggregate classification.
Comment: GARS1-HMSN (exclusively dSMA-V) [Antonellis et al 2003, He et al 2015]

Literature cited by the submitters: PubMed 12690580 (cited by 3 submitters); PubMed 8541851 (cited by OMIM); PubMed 26503042 (cited by GeneReviews); PubMed 20301420 (cited by GeneReviews).